The following is an entry in ClinVar:

NM_001211.6(BUB1B):c.2063C>A (p.Ser688Tyr)

Gene: BUB1B (BUB1 mitotic checkpoint serine/threonine kinase B; plus strand). Cytogenetic location: 15q15.1.
Variant type: single nucleotide variant.
Coding change: c.2063C>A on transcript NM_001211.6 (MANE Select); coding-DNA position 2063, C replaced by A.
Protein change: p.Ser688Tyr; replaces serine 688 with tyrosine.
Molecular consequence: missense variant.
Genome position (GRCh38, 1-based): chr15:40,208,690, C>A. VCF-style: chr15-40208690-C-A. GRCh37 (hg19) VCF-style: chr15-40500891-C-A.
Other names: short protein forms S688Y.
Identifiers: ClinVar variation 1785255 (VCV001785255.2), dbSNP rs2542569578, ClinGen allele CA391693523.

ClinVar aggregate classification (germline): Uncertain significance (1 of 4 stars; one submission).

Conditions:
Inborn genetic diseases. Identifiers: MedGen C0950123, MeSH D030342.

Submission:

Ambry Genetics
Classification: Uncertain significance for Inborn genetic diseases. Last evaluated: 2021-12-11. Review status: criteria provided, single submitter. Criteria: Ambry Variant Classification Scheme 2023. Collection method: clinical testing. Allele origin: germline.
Comment: The p.S688Y variant (also known as c.2063C>A), located in coding exon 16 of the BUB1B gene, results from a C to A substitution at nucleotide position 2063. The serine at codon 688 is replaced by tyrosine, an amino acid with dissimilar properties. This amino acid position is conserved. In addition, this alteration is predicted to be tolerated by in silico analysis. Since supporting evidence is limited at this time, the clinical significance of this alteration remains unclear.